The following is an entry in ClinVar:

ClinVar aggregate classification (germline): Likely benign. Review status: criteria provided, multiple submitters, no conflicts (2 of 4 stars). 3 submissions from 3 submitters: Likely benign (3). Last evaluated 2025-09-13.

Conditions:
Inborn genetic diseases. Identifiers: MedGen C0950123, MeSH D030342.
Baller-Gerold syndrome (BGS). Also called: CRANIOSYNOSTOSIS WITH RADIAL DEFECTS. Identifiers: Orphanet 1225, MedGen C0265308, MONDO:0009039, OMIM 218600.

Allele frequency attached by ClinVar (database versions not stated): gnomAD exomes below 0.00001; ExAC 0.00001; gnomAD 0.00001; TOPMed 0.00002.
gnomAD v4.1: 7 of 1,600,776 alleles (0.00044%); highest among the groups gnomAD compares: African/African-American, 0.0067%; no homozygotes.

Submissions (3):

Labcorp Genetics (formerly Invitae), Labcorp
Classification: Likely benign for Baller-Gerold syndrome. Last evaluated: 2025-09-13. Review status: criteria provided, single submitter. Criteria: Invitae Variant Classification Sherloc (09022015). Collection method: clinical testing. Allele origin: germline.

CeGaT Center for Human Genetics Tuebingen
Classification: Likely benign. Last evaluated: 2025-09-01. Review status: criteria provided, single submitter. Criteria: CeGaT Center For Human Genetics Tuebingen Variant Classification Criteria Version 2. Collection method: clinical testing. Allele origin: germline. Affected: yes. Observed: 1 variant allele.
Comment: RECQL4: BP4, BP7

Ambry Genetics
Classification: Likely benign for Inborn genetic diseases. Last evaluated: 2024-11-23. Review status: criteria provided, single submitter. Criteria: Ambry Variant Classification Scheme 2023. Collection method: clinical testing. Allele origin: germline.

NM_004260.4(RECQL4):c.2376C>T (p.Pro792=)

Gene: RECQL4 (RecQ like helicase 4; minus strand). Cytogenetic location: 8q24.3.
Variant type: single nucleotide variant.
Coding change: c.2376C>T on transcript NM_004260.4 (MANE Select); coding-DNA position 2376, C replaced by T.
Protein change: p.Pro792=; no amino-acid change (proline 792 retained).
Molecular consequence: synonymous variant.
Genome position (GRCh38, 1-based): chr8:144,513,305, G>A on the plus strand (C>T on the coding strand, the complement: RECQL4 is on the minus strand). VCF-style: chr8-144513305-G-A. GRCh37 (hg19) VCF-style: chr8-145738688-G-A.
Other names: c.2376C>T (NM_004260.3).
Identifiers: ClinVar variation 1111775 (VCV001111775.15), dbSNP rs768878258, ClinGen allele CA4948315.